The following is an entry in ClinVar:

ClinVar aggregate classification (germline): Benign/Likely benign. Review status: criteria provided, multiple submitters, no conflicts (2 of 4 stars). 5 submissions from 5 submitters: Benign (3); Likely benign (2). Last evaluated 2026-02-04.

Conditions:
MHC class I deficiency. Identifiers: Orphanet 34592, MedGen C6024714, MONDO:0011476.

Allele frequency attached by ClinVar (database versions not stated): gnomAD 0.25756 and 0.26350; TOPMed 0.25913; gnomAD exomes 0.26903 and 0.31327; 1000 Genomes Project 30x 0.29919; 1000 Genomes Project 0.30172; ExAC 0.36327.
gnomAD v4.1: 416,831 of 1,549,446 alleles (27%); highest among the groups gnomAD compares: South Asian, 39%; 58,603 homozygotes.

Submissions (5):

Labcorp Genetics (formerly Invitae), Labcorp
Classification: Benign for MHC class I deficiency 1. Last evaluated: 2026-02-04. Review status: criteria provided, single submitter. Criteria: Invitae Variant Classification Sherloc (09022015). Collection method: clinical testing. Allele origin: germline.

Women's Health and Genetics/Laboratory Corporation of America, LabCorp
Classification: Likely benign. Last evaluated: 2026-01-21. Review status: criteria provided, single submitter. Criteria: LabCorp Variant Classification Summary - May 2015. Collection method: clinical testing. Allele origin: germline.

Blueprint Genetics
Classification: Likely benign. Last evaluated: 2024-11-27. Review status: criteria provided, single submitter. Criteria: ACMG Guidelines, 2015. Collection method: clinical testing. Allele origin: germline.

Mendelics
Classification: Benign for MHC class I deficiency 1. Last evaluated: 2019-05-28. Review status: criteria provided, single submitter. Criteria: Mendelics Assertion Criteria 2017. Collection method: clinical testing. Allele origin: unknown.

Laboratory for Molecular Medicine, Mass General Brigham Personalized Medicine
Classification: Benign. Last evaluated: 2016-03-28. Review status: criteria provided, single submitter. Criteria: LMM Criteria. Collection method: clinical testing. Allele origin: germline.
Comment: Variant identified in a genome or exome case(s) and assessed due to predicted null impact of the variant or pathogenic assertions in the literature or databases. Disclaimer: This variant has not undergone full assessment. The following are preliminary notes: Frequency

NM_001290043.2(TAP2):c.1993A>G (p.Thr665Ala)

Gene: TAP2 (transporter 2, ATP binding cassette subfamily B member; minus strand). Cytogenetic location: 6p21.32.
Variant type: single nucleotide variant.
Coding change: c.1993A>G on transcript NM_001290043.2 (MANE Select); coding-DNA position 1993, A replaced by G.
Protein change: p.Thr665Ala; replaces threonine 665 with alanine.
Molecular consequence: missense variant. On other transcripts: no sequence alteration (2), intron variant (1).
Genome position (GRCh38, 1-based): chr6:32,828,974, T>C on the plus strand (A>G on the coding strand, the complement: TAP2 is on the minus strand). VCF-style: chr6-32828974-T-C. GRCh37 (hg19) VCF-style: chr6-32796751-T-C.
Other names: c.1993=, p.Ala665= (NM_000544.3); c.1932+426A>G (NM_018833.3); c.1993A>G (NM_000544.3); short protein forms T665A.
Identifiers: ClinVar variation 403511 (VCV000403511.16), dbSNP rs241447, ClinGen allele CA3745742.